The following is an entry in ClinVar:

ClinVar aggregate classification (germline): Uncertain significance (1 of 4 stars; one submission).

Conditions:
Perlman syndrome (PRLMNS). Identifiers: Orphanet 2849, MedGen C0796113, MONDO:0009965, OMIM 267000.

Allele frequency attached by ClinVar (database versions not stated): gnomAD exomes below 0.00001.
gnomAD v4.1: 1 of 1,613,800 alleles (0.000062%); highest among the groups gnomAD compares: African/African-American, 0.0013%; no homozygotes.

Submission:

Labcorp Genetics (formerly Invitae), Labcorp
Classification: Uncertain significance for Perlman syndrome. Last evaluated: 2023-04-12. Review status: criteria provided, single submitter. Criteria: Invitae Variant Classification Sherloc (09022015). Collection method: clinical testing. Allele origin: germline.
Comment: In summary, the available evidence is currently insufficient to determine the role of this variant in disease. Therefore, it has been classified as a Variant of Uncertain Significance. Advanced modeling of protein sequence and biophysical properties (such as structural, functional, and spatial information, amino acid conservation, physicochemical variation, residue mobility, and thermodynamic stability) performed at Invitae indicates that this missense variant is not expected to disrupt DIS3L2 protein function. ClinVar contains an entry for this variant (Variation ID: 531959). This variant has not been reported in the literature in individuals affected with DIS3L2-related conditions. This variant is not present in population databases (gnomAD no frequency). This sequence change replaces histidine, which is basic and polar, with aspartic acid, which is acidic and polar, at codon 738 of the DIS3L2 protein (p.His738Asp).

NM_152383.5(DIS3L2):c.2212C>G (p.His738Asp)

Gene: DIS3L2 (DIS3 like 3'-5' exoribonuclease 2; plus strand). Cytogenetic location: 2q37.1.
Variant type: single nucleotide variant.
Coding change: c.2212C>G on transcript NM_152383.5 (MANE Select); coding-DNA position 2212, C replaced by G.
Protein change: p.His738Asp; replaces histidine 738 with aspartic acid.
Molecular consequence: missense variant. On other transcripts: non-coding transcript variant (2), intron variant (1).
Genome position (GRCh38, 1-based): chr2:232,334,422, C>G. VCF-style: chr2-232334422-C-G. GRCh37 (hg19) VCF-style: chr2-233199132-C-G.
Other names: c.1582-8923C>G (NM_001257281.2); short protein forms H738D.
Identifiers: ClinVar variation 531959 (VCV000531959.8), dbSNP rs1553551779, ClinGen allele CA350977721.
Genomic context (GRCh38, chr2:232,334,422, plus strand): 5'-TTCCCAGGCTATAGGGAGCGACTAGACATGGCGCCCGATACCCTGCAGAAACAGGCGGAC[C>G]ACTGTAACGACCGCCGCATGGCGTCCAAGCGCGTGCAGGAGCTCAGTACCAGTCTCTTCT-3'
Protein context (NP_689596.4, residues 728-748): APDTLQKQAD[His738Asp]CNDRRMASKR